The following is an entry in ClinVar:

NM_138295.5(PKD1L1):c.3666C>T (p.Asp1222=)

Gene: PKD1L1 (polycystin 1 like 1, transient receptor potential channel interacting; minus strand). Cytogenetic location: 7p12.3.
Variant type: single nucleotide variant.
Coding change: c.3666C>T on transcript NM_138295.5 (MANE Select); coding-DNA position 3666, C replaced by T.
Protein change: p.Asp1222=; no amino-acid change (aspartic acid 1222 retained).
Molecular consequence: synonymous variant.
Genome position (GRCh38, 1-based): chr7:47,876,215, G>A on the plus strand (C>T on the coding strand, the complement: PKD1L1 is on the minus strand). VCF-style: chr7-47876215-G-A. GRCh37 (hg19) VCF-style: chr7-47915813-G-A.
Other names: c.3666C>T (NM_138295.3).
Identifiers: ClinVar variation 3714125 (VCV003714125.3).

ClinVar aggregate classification (germline): Likely benign. Review status: criteria provided, multiple submitters, no conflicts (2 of 4 stars). 2 submissions from 2 submitters: Likely benign (2). Last evaluated 2026-03-30.

Conditions:
PKD1L1-related disorder. Also called: PKD1L1-related condition.

gnomAD v4.1: 29 of 1,613,792 alleles (0.0018%); highest among the groups gnomAD compares: Admixed American, 0.03%; no homozygotes.

Submissions (2):

PreventionGenetics, part of Exact Sciences
Classification: Likely benign for PKD1L1-related condition. Last evaluated: 2026-03-30. Review status: criteria provided, single submitter. Criteria: ACMG Guidelines, 2015. Collection method: clinical testing. Allele origin: germline.
Comment: This variant is classified as likely benign based on ACMG/AMP sequence variant interpretation guidelines (Richards et al. 2015 PMID: 25741868, with internal and published modifications).

Labcorp Genetics (formerly Invitae), Labcorp
Classification: Likely benign. Last evaluated: 2024-07-31. Review status: criteria provided, single submitter. Criteria: Invitae Variant Classification Sherloc (09022015). Collection method: clinical testing. Allele origin: germline.